The following is an entry in ClinVar:

ClinVar aggregate classification (germline): Uncertain significance (1 of 4 stars; one submission).

gnomAD v4.1: 5 of 1,563,306 alleles (0.00032%); highest among the groups gnomAD compares: Admixed American, 0.0019%; no homozygotes.

Submission:

GeneDx
Classification: Uncertain significance. Last evaluated: 2025-02-24. Review status: criteria provided, single submitter. Criteria: GeneDx Variant Classification Process June 2021. Collection method: clinical testing. Allele origin: germline. Affected: yes.
Comment: In silico analysis indicates that this missense variant does not alter protein structure/function; Has not been previously published as pathogenic or benign to our knowledge

NM_001122659.3(EDNRB):c.127G>T (p.Ala43Ser)

Gene: EDNRB (endothelin receptor type B; minus strand). Cytogenetic location: 13q22.3.
Variant type: single nucleotide variant.
Coding change: c.127G>T on transcript NM_001122659.3 (MANE Select); coding-DNA position 127, G replaced by T.
Protein change: p.Ala43Ser; replaces alanine 43 with serine.
Molecular consequence: missense variant.
Genome position (GRCh38, 1-based): chr13:77,918,447, C>A on the plus strand (G>T on the coding strand, the complement: EDNRB is on the minus strand). VCF-style: chr13-77918447-C-A. GRCh37 (hg19) VCF-style: chr13-78492582-C-A.
Other names: c.127G>T, p.Ala43Ser (NM_000115.5, NM_003991.4); c.397G>T, p.Ala133Ser (NM_001201397.2); short protein forms A133S, A43S.
Identifiers: ClinVar variation 4076750 (VCV004076750.1).